The following is an entry in ClinVar:

ClinVar aggregate classification (germline): Conflicting classifications of pathogenicity. Review status: criteria provided, conflicting classifications (1 of 4 stars). 3 submissions from 3 submitters: Likely pathogenic (2); Uncertain significance (1). Last evaluated 2024-05-10.

Conditions:
Orofacial cleft 11 (OFC11). Also called: Orofacial cleft 11; ofc11; CLEFT LIP WITH OR WITHOUT CLEFT PALATE, NONSYNDROMIC, 11. Identifiers: MedGen C2677434, MONDO:0010906, OMIM 600625.
Microphthalmia with brain and digit anomalies (MCOPS6). Also called: MICROPHTHALMIA AND PITUITARY ANOMALIES; Microphthalmia, syndromic 6. Identifiers: Orphanet 139471, MedGen C1864689, MONDO:0011936, OMIM 607932.

Allele frequency attached by ClinVar (database versions not stated): gnomAD exomes below 0.00001; TOPMed below 0.00001; gnomAD 0.00001.
gnomAD v4.1: 3 of 1,613,542 alleles (0.00019%); highest among the groups gnomAD compares: African/African-American, 0.0013%; no homozygotes.

Submissions (3):

Labcorp Genetics (formerly Invitae), Labcorp
Classification: Uncertain significance for Microphthalmia with brain and digit anomalies; Orofacial cleft 11. Last evaluated: 2024-05-10. Review status: criteria provided, single submitter. Criteria: Invitae Variant Classification Sherloc (09022015). Collection method: clinical testing. Allele origin: germline.
Comment: This sequence change creates a premature translational stop signal (p.Arg286*) in the BMP4 gene. While this is not anticipated to result in nonsense mediated decay, it is expected to disrupt the last 123 amino acid(s) of the BMP4 protein. This variant is present in population databases (no rsID available, gnomAD 0.007%). This variant has not been reported in the literature in individuals affected with BMP4-related conditions. Experimental studies and prediction algorithms are not available or were not evaluated, and the functional significance of this variant is currently unknown. In summary, the available evidence is currently insufficient to determine the role of this variant in disease. Therefore, it has been classified as a Variant of Uncertain Significance.

Fulgent Genetics
Classification: Likely pathogenic for Orofacial cleft 11; Microphthalmia with brain and digit anomalies. Last evaluated: 2024-01-08. Review status: criteria provided, single submitter. Criteria: ACMG Guidelines, 2015. Collection method: clinical testing. Allele origin: germline.

CeGaT Center for Human Genetics Tuebingen
Classification: Likely pathogenic. Last evaluated: 2023-12-01. Review status: criteria provided, single submitter. Criteria: CeGaT Center For Human Genetics Tuebingen Variant Classification Criteria Version 2. Collection method: clinical testing. Allele origin: germline. Affected: yes. Observed: 1 variant allele.
Comment: BMP4: PVS1:Strong, PM2

NM_001202.6(BMP4):c.856C>T (p.Arg286Ter)

Gene: BMP4 (bone morphogenetic protein 4; minus strand). Cytogenetic location: 14q22.2.
Variant type: single nucleotide variant.
Coding change: c.856C>T on transcript NM_001202.6 (MANE Select); coding-DNA position 856, C replaced by T.
Protein change: p.Arg286Ter; replaces arginine 286 with a stop codon.
Molecular consequence: nonsense.
Genome position (GRCh38, 1-based): chr14:53,950,403, G>A on the plus strand (C>T on the coding strand, the complement: BMP4 is on the minus strand). VCF-style: chr14-53950403-G-A. GRCh37 (hg19) VCF-style: chr14-54417121-G-A.
Other names: c.997C>T, p.Arg333Ter (NM_001347912.1); c.667C>T, p.Arg223Ter (NM_001347913.2, NM_001347915.2, NM_001347917.1); c.856C>T, p.Arg286Ter (NM_001347914.2, NM_001347916.1, NM_130850.5 and 1 more transcripts); short protein forms R223*, R286*, R333*.
Identifiers: ClinVar variation 3026515 (VCV003026515.25), dbSNP rs1377644626, ClinGen allele CA389783817.